The following is an entry in ClinVar:

NM_001291415.2(KDM6A):c.813G>C (p.Gln271His)

Gene: KDM6A (lysine demethylase 6A; plus strand). Cytogenetic location: Xp11.3.
Variant type: single nucleotide variant.
Coding change: c.813G>C on transcript NM_001291415.2 (MANE Select); coding-DNA position 813, G replaced by C.
Protein change: p.Gln271His; replaces glutamine 271 with histidine.
Molecular consequence: missense variant. On other transcripts: non-coding transcript variant (1).
Genome position (GRCh38, 1-based): chrX:45,053,893, G>C. VCF-style: chrX-45053893-G-C. GRCh37 (hg19) VCF-style: chrX-44913138-G-C.
Other names: c.813G>C, p.Gln271His (NM_001291416.2, NM_001291417.2, NM_001291418.2 and 9 more transcripts); c.60G>C, p.Gln20His (NM_001291421.2); short protein forms Q20H, Q271H.
Identifiers: ClinVar variation 2738055 (VCV002738055.7), dbSNP rs140335606, ClinGen allele CA10392269.

ClinVar aggregate classification (germline): Conflicting classifications of pathogenicity. Review status: criteria provided, conflicting classifications (1 of 4 stars). 2 submissions from 2 submitters: Uncertain significance (1); Likely benign (1). Last evaluated 2026-03-01.

Conditions:
Kabuki syndrome 2 (KABUK2). Also called: KDM6A-Related Kabuki Syndrome. Identifiers: Orphanet 2322, MedGen C3275495, MONDO:0010465, OMIM 300867.

Allele frequency attached by ClinVar (database versions not stated): ExAC 0.00001; gnomAD 0.00001; gnomAD exomes 0.00001; ESP Exome Variant Server 0.00009.
gnomAD v4.1: 18 of 1,202,076 alleles (0.0015%); highest among the groups gnomAD compares: Non-Finnish European, 0.0018%; no homozygotes.

Submissions (2):

CeGaT Center for Human Genetics Tuebingen
Classification: Likely benign. Last evaluated: 2026-03-01. Review status: criteria provided, single submitter. Criteria: CeGaT Center For Human Genetics Tuebingen Variant Classification Criteria Version 2. Collection method: clinical testing. Allele origin: germline. Affected: yes. Observed: 1 variant allele.
Comment: KDM6A: BS2

Labcorp Genetics (formerly Invitae), Labcorp
Classification: Uncertain significance for Kabuki syndrome 2. Last evaluated: 2025-05-09. Review status: criteria provided, single submitter. Criteria: Invitae Variant Classification Sherloc (09022015). Collection method: clinical testing. Allele origin: germline.
Comment: This sequence change replaces glutamine, which is neutral and polar, with histidine, which is basic and polar, at codon 271 of the KDM6A protein (p.Gln271His). This variant is present in population databases (rs140335606, gnomAD 0.006%), including at least one homozygous and/or hemizygous individual. This variant has not been reported in the literature in individuals affected with KDM6A-related conditions. ClinVar contains an entry for this variant (Variation ID: 2738055). Invitae Evidence Modeling of protein sequence and biophysical properties (such as structural, functional, and spatial information, amino acid conservation, physicochemical variation, residue mobility, and thermodynamic stability) has been performed for this missense variant. However, the output from this modeling did not meet the statistical confidence thresholds required to predict the impact of this variant on KDM6A protein function. In summary, the available evidence is currently insufficient to determine the role of this variant in disease. Therefore, it has been classified as a Variant of Uncertain Significance.